The following is an entry in ClinVar:

NM_017654.4(SAMD9):c.960T>C (p.Tyr320=)

Gene: SAMD9 (sterile alpha motif domain containing 9; minus strand). Cytogenetic location: 7q21.2.
Variant type: single nucleotide variant.
Coding change: c.960T>C on transcript NM_017654.4 (MANE Select); coding-DNA position 960, T replaced by C.
Protein change: p.Tyr320=; no amino-acid change (tyrosine 320 retained).
Molecular consequence: synonymous variant.
Genome position (GRCh38, 1-based): chr7:93,105,138, A>G on the plus strand (T>C on the coding strand, the complement: SAMD9 is on the minus strand). VCF-style: chr7-93105138-A-G. GRCh37 (hg19) VCF-style: chr7-92734451-A-G.
Other names: p.Tyr320=; c.960T>C, p.Tyr320= (NM_001193307.2).
Identifiers: ClinVar variation 1170230 (VCV001170230.28), dbSNP rs6965201, ClinGen allele CA4343055.

ClinVar aggregate classification (germline): Benign/Likely benign. Review status: criteria provided, multiple submitters, no conflicts (2 of 4 stars). 7 submissions from 7 submitters: Benign (6); Likely benign (1). Last evaluated 2026-02-04.

Allele frequency attached by ClinVar (database versions not stated): gnomAD exomes 0.31491 and 0.37341; ExAC 0.37332; ESP Exome Variant Server 0.43780; gnomAD 0.44244 and 0.44772; TOPMed 0.47496; 1000 Genomes Project 0.52117; 1000 Genomes Project 30x 0.52764.

Submissions (7):

Labcorp Genetics (formerly Invitae), Labcorp
Classification: Benign. Last evaluated: 2026-02-04. Review status: criteria provided, single submitter. Criteria: Invitae Variant Classification Sherloc (09022015). Collection method: clinical testing. Allele origin: germline.

ARUP Laboratories, Molecular Genetics and Genomics, ARUP Laboratories
Classification: Benign. Last evaluated: 2025-07-30. Review status: criteria provided, single submitter. Criteria: ARUP Molecular Germline Variant Investigation Process 2024. Collection method: clinical testing. Allele origin: germline.

Blueprint Genetics
Classification: Likely benign. Last evaluated: 2024-11-27. Review status: criteria provided, single submitter. Criteria: ACMG Guidelines, 2015. Collection method: clinical testing. Allele origin: germline.

Unidad de Genómica Garrahan, Hospital de Pediatría Garrahan
Classification: Benign. Last evaluated: 2024-01-24. Review status: criteria provided, single submitter. Criteria: ACMG Guidelines, 2015. Collection method: clinical testing. Allele origin: germline. Affected: no. Observed: 64 variant alleles.
Comment: This variant is classified as Benign based on local population frequency. This variant was detected in 67% of patients studied by a panel of primary immunodeficiencies. Number of patients: 64. Only high quality variants are reported.

Mayo Clinic Laboratories, Mayo Clinic
Classification: Benign. Last evaluated: 2022-09-06. Review status: criteria provided, single submitter. Criteria: ACMG Guidelines, 2015. Collection method: clinical testing. Allele origin: germline. Observed: 31 variant alleles.

GeneDx
Classification: Benign. Last evaluated: 2019-11-04. Review status: criteria provided, single submitter. Criteria: GeneDx Variant Classification Process June 2021. Collection method: clinical testing. Allele origin: germline. Affected: yes.

Breakthrough Genomics
Classification: Benign. Review status: criteria provided, single submitter. Criteria: ACMG Guidelines, 2015. Collection method: not provided. Allele origin: germline. Inheritance: Autosomal recessive inheritance. Affected: yes.